The following is an entry in ClinVar:

NM_001371533.1(FUT8):c.1675C>T (p.Arg559Ter)

Gene: FUT8 (fucosyltransferase 8; plus strand). Cytogenetic location: 14q23.3.
Variant type: single nucleotide variant.
Coding change: c.1675C>T on transcript NM_001371533.1 (MANE Select); coding-DNA position 1675, C replaced by T.
Protein change: p.Arg559Ter; replaces arginine 559 with a stop codon.
Molecular consequence: nonsense. On other transcripts: non-coding transcript variant (1).
Genome position (GRCh38, 1-based): chr14:65,742,357, C>T. VCF-style: chr14-65742357-C-T. GRCh37 (hg19) VCF-style: chr14-66209075-C-T.
Other names: c.1675C>T, p.Arg559Ter (NM_001371534.1, NM_178155.3, NM_178156.2); c.1777C>T, p.Arg593Ter (NM_001371536.1); c.1186C>T, p.Arg396Ter (NM_004480.4); short protein forms R593*, R396*, R559*.
Identifiers: ClinVar variation 1031304 (VCV001031304.3), dbSNP rs769250336, ClinGen allele CA7233493.

ClinVar aggregate classification (germline): Uncertain significance. Review status: criteria provided, multiple submitters, no conflicts (2 of 4 stars). 2 submissions from 2 submitters: Uncertain significance (2). Last evaluated 2024-12-25.

Conditions:
Congenital disorder of glycosylation with defective fucosylation 1 (CDGF1). Identifiers: MedGen CN258220, MONDO:0020775, OMIM 618005.

Allele frequency attached by ClinVar (database versions not stated): gnomAD exomes below 0.00001; TOPMed below 0.00001; ExAC 0.00001.
gnomAD v4.1: 23 of 1,612,638 alleles (0.0014%); highest among the groups gnomAD compares: Non-Finnish European, 0.002%; no homozygotes.

Submissions (2):

Labcorp Genetics (formerly Invitae), Labcorp
Classification: Uncertain significance. Last evaluated: 2024-12-25. Review status: criteria provided, single submitter. Criteria: Invitae Variant Classification Sherloc (09022015). Collection method: clinical testing. Allele origin: germline.
Comment: This sequence change creates a premature translational stop signal (p.Arg559*) in the FUT8 gene. While this is not anticipated to result in nonsense mediated decay, it is expected to disrupt the last 17 amino acid(s) of the FUT8 protein. The frequency data for this variant in the population databases is considered unreliable, as metrics indicate poor data quality at this position in the gnomAD database. This premature translational stop signal has been observed in individual(s) with FUT8-related conditions (PMID: 32049367). ClinVar contains an entry for this variant (Variation ID: 1031304). Experimental studies and prediction algorithms are not available or were not evaluated, and the functional significance of this variant is currently unknown. In summary, the available evidence is currently insufficient to determine the role of this variant in disease. Therefore, it has been classified as a Variant of Uncertain Significance.

Baylor Genetics
Classification: Uncertain significance for Congenital disorder of glycosylation with defective fucosylation 1. Last evaluated: 2019-07-03. Review status: criteria provided, single submitter. Criteria: ACMG Guidelines, 2015. Collection method: clinical testing. Allele origin: unknown. Affected: yes.
Comment: This variant was determined to be of uncertain significance according to ACMG Guidelines, 2015 [PMID:25741868].

Literature cited by the submitters: PubMed 32049367 (cited by Labcorp Genetics (formerly Invitae), Labcorp).